The following is an entry in ClinVar:

NM_199242.3(UNC13D):c.953C>T (p.Ala318Val)

Gene: UNC13D (unc-13 homolog D; minus strand). Cytogenetic location: 17q25.1.
Variant type: single nucleotide variant.
Coding change: c.953C>T on transcript NM_199242.3 (MANE Select); coding-DNA position 953, C replaced by T.
Protein change: p.Ala318Val; replaces alanine 318 with valine.
Molecular consequence: missense variant.
Genome position (GRCh38, 1-based): chr17:75,839,941, G>A on the plus strand (C>T on the coding strand, the complement: UNC13D is on the minus strand). VCF-style: chr17-75839941-G-A. GRCh37 (hg19) VCF-style: chr17-73836022-G-A.
Other names: short protein forms A318V.
Identifiers: ClinVar variation 1349208 (VCV001349208.3), dbSNP rs1387995062, ClinGen allele CA401106932.
Genomic context (GRCh38, chr17:75,839,941, plus strand): 5'-TGCAGAAAGAGGACGGTGGCAGCCTGGGGACTCAGCGACCCGTCCCAGGAGGTGCTTCCC[G>A]CCTGAGGGGAGCAGGTGGAGGAGTGTCAGGACCTGAAGGGCAGCCCCGGCTGCGCCCAGC-3'
Protein context (NP_954712.1, residues 308-328): LVSHEVTQHE[Ala318Val]GSTSWDGSLS

ClinVar aggregate classification (germline): Uncertain significance (1 of 4 stars; one submission).

Conditions:
Familial hemophagocytic lymphohistiocytosis 3 (FHL3). Also called: UNC13D-Related Familial Hemophagocytic Lymphohistiocytosis (UNC13D-fHLH). Identifiers: Orphanet 540, MedGen C1837174, MONDO:0012146, OMIM 608898.

Allele frequency attached by ClinVar (database versions not stated): gnomAD exomes below 0.00001; gnomAD 0.00001.

Submission:

Labcorp Genetics (formerly Invitae), Labcorp
Classification: Uncertain significance for Familial hemophagocytic lymphohistiocytosis 3. Last evaluated: 2021-12-03. Review status: criteria provided, single submitter. Criteria: Invitae Variant Classification Sherloc (09022015). Collection method: clinical testing. Allele origin: germline.
Comment: This sequence change replaces alanine with valine at codon 318 of the UNC13D protein (p.Ala318Val). The alanine residue is moderately conserved and there is a small physicochemical difference between alanine and valine. This variant is present in population databases (no rsID available, gnomAD 0.01%). This variant has not been reported in the literature in individuals affected with UNC13D-related conditions. Algorithms developed to predict the effect of missense changes on protein structure and function output the following: SIFT: "Not Available"; PolyPhen-2: "Benign"; Align-GVGD: "Not Available". The valine amino acid residue is found in multiple mammalian species, which suggests that this missense change does not adversely affect protein function. Algorithms developed to predict the effect of sequence changes on RNA splicing suggest that this variant may create or strengthen a splice site. In summary, the available evidence is currently insufficient to determine the role of this variant in disease. Therefore, it has been classified as a Variant of Uncertain Significance.